The following is an entry in ClinVar:

NM_001136139.4(TCF3):c.1645A>G (p.Met549Val)

Gene: TCF3 (transcription factor 3; minus strand). Cytogenetic location: 19p13.3.
Variant type: single nucleotide variant.
Coding change: c.1645A>G on transcript NM_001136139.4 (MANE Plus Clinical); coding-DNA position 1645, A replaced by G.
Protein change: p.Met549Val; replaces methionine 549 with valine.
Molecular consequence: missense variant. On other transcripts: intron variant (2).
Genome position (GRCh38, 1-based): chr19:1,612,375, T>C on the plus strand (A>G on the coding strand, the complement: TCF3 is on the minus strand). VCF-style: chr19-1612375-T-C. GRCh37 (hg19) VCF-style: chr19-1612374-T-C.
Other names: c.1645A>G, p.Met549Val (NM_001351779.2); c.1820-526A>G (NM_001351778.2); c.1823-526A>G (NM_003200.5); short protein forms M549V.
Identifiers: ClinVar variation 3621120 (VCV003621120.2).

ClinVar aggregate classification (germline): Uncertain significance (1 of 4 stars; one submission).

gnomAD v4.1: 6 of 1,605,934 alleles (0.00037%); highest among the groups gnomAD compares: East Asian, 0.009%; no homozygotes.

Submission:

Labcorp Genetics (formerly Invitae), Labcorp
Classification: Uncertain significance. Last evaluated: 2025-08-13. Review status: criteria provided, single submitter. Criteria: Invitae Variant Classification Sherloc (09022015). Collection method: clinical testing. Allele origin: germline.
Comment: The TCF3 gene has multiple clinically relevant transcripts. This variant occurs in alternate transcript NM_001136139.3, and corresponds to NM_003200.4:c.1823-521C>A in the primary transcript. This sequence change replaces methionine, which is neutral and non-polar, with valine, which is neutral and non-polar, at codon 549 of the TCF3 protein (p.Met549Val). This variant is present in population databases (rs760689152, gnomAD 0.003%). This variant has not been reported in the literature in individuals affected with TCF3-related conditions. ClinVar contains an entry for this variant (Variation ID: 3621120). Algorithms developed to predict the effect of sequence changes on RNA splicing suggest that this variant is not likely to affect RNA splicing. In summary, the available evidence is currently insufficient to determine the role of this variant in disease. Therefore, it has been classified as a Variant of Uncertain Significance.